The following is an entry in ClinVar:

ClinVar aggregate classification (germline): Likely benign. Review status: criteria provided, multiple submitters, no conflicts (2 of 4 stars). 5 submissions from 5 submitters: Likely benign (3). 2 of the submissions do not count toward it. Last evaluated 2026-01-24.

Conditions:
GCDH-related disorder. Also called: GCDH-related condition.
Glutaric aciduria, type 1. Also called: Glutaryl-CoA dehydrogenase deficiency; Glutaric acidemia type I; Glutaricacidemia Type 1; GA I; Glutaricaciduria, type I; Glutaric Acidemia Type 1. Identifiers: Orphanet 25, MedGen C0268595, MONDO:0009281, OMIM 231670.
Inborn genetic diseases. Identifiers: MedGen C0950123, MeSH D030342.

Allele frequency attached by ClinVar (database versions not stated): gnomAD exomes 0.00010 and 0.00017; ExAC 0.00021; gnomAD 0.00021 and 0.00024; TOPMed 0.00023; ESP Exome Variant Server 0.00046.
gnomAD v4.1: 183 of 1,613,696 alleles (0.011%); highest among the groups gnomAD compares: Admixed American, 0.027%; no homozygotes.

Submissions (5):

Labcorp Genetics (formerly Invitae), Labcorp
Classification: Likely benign for Glutaric aciduria, type 1. Last evaluated: 2026-01-24. Review status: criteria provided, single submitter. Criteria: Invitae Variant Classification Sherloc (09022015). Collection method: clinical testing. Allele origin: germline.

Ambry Genetics
Classification: Likely benign for Inborn genetic diseases. Last evaluated: 2024-07-04. Review status: criteria provided, single submitter. Criteria: Ambry Variant Classification Scheme 2023. Collection method: clinical testing. Allele origin: germline.

Blueprint Genetics
Classification: Likely benign. Last evaluated: 2022-12-30. Review status: criteria provided, single submitter. Criteria: ACMG Guidelines, 2015. Collection method: clinical testing. Allele origin: germline.

PreventionGenetics, part of Exact Sciences
Classification: Likely benign for GCDH-related condition. Last evaluated: 2023-07-28. Review status: no assertion criteria provided. Collection method: clinical testing. Allele origin: germline. Not counted in ClinVar's aggregate classification.
Comment: This variant is classified as likely benign based on ACMG/AMP sequence variant interpretation guidelines (Richards et al. 2015 PMID: 25741868, with internal and published modifications).

Natera, Inc.
Classification: Likely benign for Glutaric acidemia type 1. Last evaluated: 2020-02-17. Review status: no assertion criteria provided. Collection method: clinical testing. Allele origin: germline. Not counted in ClinVar's aggregate classification.

NM_000159.4(GCDH):c.417G>A (p.Ser139=)

Gene: GCDH (glutaryl-CoA dehydrogenase; plus strand). Cytogenetic location: 19p13.13.
Variant type: single nucleotide variant.
Coding change: c.417G>A on transcript NM_000159.4 (MANE Select); coding-DNA position 417, G replaced by A.
Protein change: p.Ser139=; no amino-acid change (serine 139 retained).
Molecular consequence: synonymous variant. On other transcripts: non-coding transcript variant (2).
Genome position (GRCh38, 1-based): chr19:12,893,565, G>A. VCF-style: chr19-12893565-G-A. GRCh37 (hg19) VCF-style: chr19-13004379-G-A.
Other names: c.417G>A, p.Ser139= (NM_013976.5); c.417G>A (NM_000159.2).
Identifiers: ClinVar variation 791703 (VCV000791703.18), dbSNP rs201583578, ClinGen allele CA9234386.
Genomic context (GRCh38, chr19:12,893,565, plus strand): 5'-GTCTGTGGCCTATGGGCTCCTGGCCCGAGAGCTGGAGCGGGTGGACAGTGGCTACAGGTC[G>A]GCGATGAGTGTCCAGTCCTCCCTCGTCATGCACCCTATCTATGCCTATGGCAGCGAGGAA-3'
Protein context (NP_000150.1, residues 129-149): ELERVDSGYR[Ser139=]AMSVQSSLVM